The following is an entry in ClinVar:

NM_000474.4(TWIST1):c.361A>C (p.Thr121Pro)

Gene: TWIST1 (twist family bHLH transcription factor 1; minus strand). Cytogenetic location: 7p21.1.
Variant type: single nucleotide variant.
Coding change: c.361A>C on transcript NM_000474.4 (MANE Select); coding-DNA position 361, A replaced by C.
Protein change: p.Thr121Pro; replaces threonine 121 with proline.
Molecular consequence: missense variant. On other transcripts: non-coding transcript variant (1).
Genome position (GRCh38, 1-based): chr7:19,116,961, T>G on the plus strand (A>C on the coding strand, the complement: TWIST1 is on the minus strand). VCF-style: chr7-19116961-T-G. GRCh37 (hg19) VCF-style: chr7-19156584-T-G.
Other names: short protein forms T121P.
Identifiers: ClinVar variation 964829 (VCV000964829.9), dbSNP rs1788582586, ClinGen allele CA367015603.

ClinVar aggregate classification (germline): Uncertain significance (1 of 4 stars; one submission).

Conditions:
TWIST1-related craniosynostosis (CRS1). Also called: CRANIOSYNOSTOSIS 1. Identifiers: Orphanet 63440, MedGen C4551902, MONDO:0007399, OMIM 123100. Inheritance: Heterogenous inheritance pattern.
Saethre-Chotzen syndrome (SCS). Also called: CHOTZEN SYNDROME; ACROCEPHALY, SKULL ASYMMETRY, AND MILD SYNDACTYLY; ACS III. Identifiers: Orphanet 794, MedGen C0175699, MONDO:0007042, OMIM 101400.

Submission:

Labcorp Genetics (formerly Invitae), Labcorp
Classification: Uncertain significance for TWIST1-related craniosynostosis; Saethre-Chotzen syndrome. Last evaluated: 2019-10-18. Review status: criteria provided, single submitter. Criteria: Invitae Variant Classification Sherloc (09022015). Collection method: clinical testing. Allele origin: germline.
Comment: This sequence change replaces threonine with proline at codon 121 of the TWIST1 protein (p.Thr121Pro). The threonine residue is highly conserved and there is a small physicochemical difference between threonine and proline. This variant is not present in population databases (ExAC no frequency). Algorithms developed to predict the effect of missense changes on protein structure and function (SIFT, PolyPhen-2, Align-GVGD) all suggest that this variant is likely to be disruptive, but these predictions have not been confirmed by published functional studies and their clinical significance is uncertain. In summary, the available evidence is currently insufficient to determine the role of this variant in disease. Therefore, it has been classified as a Variant of Uncertain Significance. This variant disrupts the p.Thr121 amino acid residue in TWIST1. Other variant(s) that disrupt this residue have been determined to be pathogenic (PMID: 16838304, 24127277). This suggests that this residue is clinically significant, and that variants that disrupt this residue are likely to be disease-causing.

Literature cited by the submitters: PubMed 16838304; PubMed 24127277.